The following is an entry in ClinVar:

ClinVar aggregate classification (germline): Uncertain significance (1 of 4 stars; one submission).

Conditions:
Nephronophthisis 16 (NPHP16). Identifiers: Orphanet 655, MedGen C3809320, MONDO:0014158, OMIM 615382.

Allele frequency attached by ClinVar (database versions not stated): gnomAD exomes below 0.00001 and 0.00001; TOPMed 0.00002.
gnomAD v4.1: 9 of 1,595,488 alleles (0.00056%); highest among the groups gnomAD compares: Admixed American, 0.0034%; no homozygotes.

Submission:

Labcorp Genetics (formerly Invitae), Labcorp
Classification: Uncertain significance for Nephronophthisis 16. Last evaluated: 2023-11-27. Review status: criteria provided, single submitter. Criteria: Invitae Variant Classification Sherloc (09022015). Collection method: clinical testing. Allele origin: germline.
Comment: This sequence change replaces phenylalanine, which is neutral and non-polar, with cysteine, which is neutral and slightly polar, at codon 121 of the ANKS6 protein (p.Phe121Cys). This variant is present in population databases (no rsID available, gnomAD 0.003%). This variant has not been reported in the literature in individuals affected with ANKS6-related conditions. ClinVar contains an entry for this variant (Variation ID: 1356090). Algorithms developed to predict the effect of missense changes on protein structure and function output the following: SIFT: "Not Available"; PolyPhen-2: "Benign"; Align-GVGD: "Not Available". The cysteine amino acid residue is found in multiple mammalian species, which suggests that this missense change does not adversely affect protein function. In summary, the available evidence is currently insufficient to determine the role of this variant in disease. Therefore, it has been classified as a Variant of Uncertain Significance.

NM_173551.5(ANKS6):c.362T>G (p.Phe121Cys)

Gene: ANKS6 (ankyrin repeat and sterile alpha motif domain containing 6; minus strand). Cytogenetic location: 9q22.33.
Variant type: single nucleotide variant.
Coding change: c.362T>G on transcript NM_173551.5 (MANE Select); coding-DNA position 362, T replaced by G.
Protein change: p.Phe121Cys; replaces phenylalanine 121 with cysteine.
Molecular consequence: missense variant.
Genome position (GRCh38, 1-based): chr9:98,790,604, A>C on the plus strand (T>G on the coding strand, the complement: ANKS6 is on the minus strand). VCF-style: chr9-98790604-A-C. GRCh37 (hg19) VCF-style: chr9-101552886-A-C.
Other names: short protein forms F121C.
Identifiers: ClinVar variation 1356090 (VCV001356090.4), dbSNP rs1478685052, ClinGen allele CA374219297.